The following is an entry in ClinVar:

NM_003859.3(DPM1):c.40C>T (p.Arg14Trp)

Genes: DPM1 (dolichyl-phosphate mannosyltransferase subunit 1, catalytic; minus strand), LOC130066166 (ATAC-STARR-seq lymphoblastoid active region 18108; plus strand). Cytogenetic location: 20q13.13.
Variant type: single nucleotide variant.
Coding change: c.40C>T on transcript NM_003859.3 (MANE Select); coding-DNA position 40, C replaced by T.
Protein change: p.Arg14Trp; replaces arginine 14 with tryptophan.
Molecular consequence: missense variant. On other transcripts: non-coding transcript variant (1).
Genome position (GRCh38, 1-based): chr20:50,958,484, G>A on the plus strand (C>T on the coding strand, the complement: DPM1 is on the minus strand). VCF-style: chr20-50958484-G-A. GRCh37 (hg19) VCF-style: chr20-49575021-G-A.
Other names: c.40C>T, p.Arg14Trp (NM_001317034.1, NM_001317035.1, NM_001317036.1); short protein forms R14W.
Identifiers: ClinVar variation 338758 (VCV000338758.41), dbSNP rs117175017, ClinGen allele CA9909261.

ClinVar aggregate classification (germline): Conflicting classifications of pathogenicity. Review status: criteria provided, conflicting classifications (1 of 4 stars). 6 submissions from 6 submitters: Uncertain significance (2); Likely benign (3). 1 of the submissions does not count toward it. Last evaluated 2026-03-01.

Conditions:
Congenital disorder of glycosylation type 1E (CDG1E). Also called: CDG Ie; CONGENITAL DISORDER OF GLYCOSYLATION, TYPE Ie. Identifiers: Orphanet 79322, MedGen C1837396, MONDO:0012123, OMIM 608799.

Allele frequency attached by ClinVar (database versions not stated): 1000 Genomes Project 0.00140; TOPMed 0.00151; 1000 Genomes Project 30x 0.00156; gnomAD 0.00160 and 0.00169; ExAC 0.00163; gnomAD exomes 0.00164 and 0.00283; ESP Exome Variant Server 0.00192.
gnomAD v4.1: 4,325 of 1,613,936 alleles (0.27%); highest among the groups gnomAD compares: Non-Finnish European, 0.33%; 6 homozygotes.

Submissions (6):

CeGaT Center for Human Genetics Tuebingen
Classification: Likely benign. Last evaluated: 2026-03-01. Review status: criteria provided, single submitter. Criteria: CeGaT Center For Human Genetics Tuebingen Variant Classification Criteria Version 2. Collection method: clinical testing. Allele origin: germline. Affected: yes. Observed: 4 variant alleles.
Comment: DPM1: BP4, BP5, BS1

Labcorp Genetics (formerly Invitae), Labcorp
Classification: Likely benign for Congenital disorder of glycosylation type 1E. Last evaluated: 2026-02-01. Review status: criteria provided, single submitter. Criteria: Invitae Variant Classification Sherloc (09022015). Collection method: clinical testing. Allele origin: germline.

Blueprint Genetics
Classification: Likely benign. Last evaluated: 2024-11-25. Review status: criteria provided, single submitter. Criteria: ACMG Guidelines, 2015. Collection method: clinical testing. Allele origin: germline.

Illumina Laboratory Services, Illumina
Classification: Uncertain significance for Congenital disorder of glycosylation type 1E. Last evaluated: 2018-01-12. Review status: criteria provided, single submitter. Criteria: ICSL Variant Classification Criteria 13 December 2019. Collection method: clinical testing. Allele origin: germline.

GeneDx
Classification: Uncertain significance. Last evaluated: 2017-04-21. Review status: criteria provided, single submitter. Criteria: GeneDx Variant Classification (06012015). Collection method: clinical testing. Allele origin: germline. Affected: yes.
Comment: A variant of uncertain significance has been identified in the DPM1 gene. The R14W variant has been previously reported in the heterozygous state in an individual with antithrombin deficiency, ventricular septal defect and scoliosis who also harbored homozygous variants in the ALG12 gene. The authors suggest a diagnosis of CDG due to the homozygous ALG12 variants identified in this individual (de la Morena-Barrio et al., 2016). The R14W variant is observed in 154/66626 (0.23%) alleles from individuals of European background (Lek et al., 2016; 1000 Genomes Consortium et al., 2015; Exome Variant Server). This variant is a non-conservative amino acid substitution, which is likely to impact secondary protein structure as these residues differ in polarity, charge, size and/or other properties. However, this substitution occurs at a position that is not conserved, and in silico analysis is inconsistent in its predictions as to whether or not the variant is damaging to the protein structure/function. Therefore, based on the currently available information, it is unclear whether this variant is a pathogenic variant or a rare benign variant.

Department of Pathology and Laboratory Medicine, Sinai Health System
Classification: Uncertain significance. Review status: no assertion criteria provided. Collection method: clinical testing. Allele origin: unknown. Affected: yes. Study: The Canadian Open Genetics Repository (COGR). Not counted in ClinVar's aggregate classification.
Comment: The DPM1 p.Arg14Trp variant was not identified in the literature nor was it identified in Cosmic or LOVD 3.0. The variant was identified in dbSNP (ID: rs117175017) and ClinVar (reported as likely benign by Invitae and a VUS by Illumina and GeneDx for Congenital disorder of glycosylation type 1E). The variant was identified in control databases in 472 of 282680 chromosomes (1 homozygous) at a frequency of 0.00167 increasing the likelihood this could be a low frequency benign variant (Genome Aggregation Database Feb 27, 2017). The variant was observed in the following populations: European (Finnish) in 71 of 24980 chromosomes (freq: 0.002842), European (non-Finnish) in 327 of 129138 chromosomes (freq: 0.002532), Other in 15 of 7226 chromosomes (freq: 0.002076), Latino in 47 of 35440 chromosomes (freq: 0.001326) and African in 12 of 24956 chromosomes (freq: 0.000481); it was not observed in the Ashkenazi Jewish, East Asian, and South Asian populations. The variant occurs outside of the splicing consensus sequence and four out of four in silico or computational prediction software programs (SpliceSiteFinder, MaxEntScan, NNSPLICE, and GeneSplicer) do not predict a greater than 10% difference in splicing. The p.Arg14 residue is not conserved in mammals and computational analyses (PolyPhen-2, SIFT, AlignGVGD, BLOSUM, and MutationTaster) provide inconsistent predictions regarding the impact to the protein; this information is not very predictive of pathogenicity. In summary, based on the above information the clinical significance of this variant cannot be determined with certainty at this time although we would lean towards a more benign role for this variant. This variant is classified as likely benign.